The following is an entry in ClinVar:

ClinVar aggregate classification (germline): Uncertain significance. Review status: criteria provided, multiple submitters, no conflicts (2 of 4 stars). 2 submissions from 2 submitters: Uncertain significance (2). Last evaluated 2022-11-01.

Conditions:
Combined oxidative phosphorylation defect type 27. Also called: Combined oxidative phosphorylation deficiency 27. Identifiers: Orphanet 477774, MedGen C5567608, MONDO:0014728, OMIM 616672.

Allele frequency attached by ClinVar (database versions not stated): gnomAD 0.00001 and 0.00002; gnomAD exomes 0.00002; TOPMed 0.00002; ExAC 0.00003; ESP Exome Variant Server 0.00008.
gnomAD v4.1: 30 of 1,613,418 alleles (0.0019%); highest among the groups gnomAD compares: Middle Eastern, 0.016%; no homozygotes.

Submissions (2):

Labcorp Genetics (formerly Invitae), Labcorp
Classification: Uncertain significance for Combined oxidative phosphorylation defect type 27. Last evaluated: 2022-11-01. Review status: criteria provided, single submitter. Criteria: Invitae Variant Classification Sherloc (09022015). Collection method: clinical testing. Allele origin: germline.
Comment: In summary, the available evidence is currently insufficient to determine the role of this variant in disease. Therefore, it has been classified as a Variant of Uncertain Significance. Advanced modeling of protein sequence and biophysical properties (such as structural, functional, and spatial information, amino acid conservation, physicochemical variation, residue mobility, and thermodynamic stability) performed at Invitae indicates that this missense variant is expected to disrupt CARS2 protein function. ClinVar contains an entry for this variant (Variation ID: 970955). This variant has not been reported in the literature in individuals affected with CARS2-related conditions. This variant is present in population databases (rs138951398, gnomAD 0.008%). This sequence change replaces arginine, which is basic and polar, with tryptophan, which is neutral and slightly polar, at codon 341 of the CARS2 protein (p.Arg341Trp).

Blueprint Genetics
Classification: Uncertain significance. Last evaluated: 2022-04-08. Review status: criteria provided, single submitter. Criteria: ACMG Guidelines, 2015. Collection method: clinical testing. Allele origin: germline.

NM_024537.4(CARS2):c.1021C>T (p.Arg341Trp)

Gene: CARS2 (cysteinyl-tRNA synthetase 2, mitochondrial; minus strand). Cytogenetic location: 13q34.
Variant type: single nucleotide variant.
Coding change: c.1021C>T on transcript NM_024537.4 (MANE Select); coding-DNA position 1021, C replaced by T.
Protein change: p.Arg341Trp; replaces arginine 341 with tryptophan.
Molecular consequence: missense variant. On other transcripts: non-coding transcript variant (2).
Genome position (GRCh38, 1-based): chr13:110,651,067, G>A on the plus strand (C>T on the coding strand, the complement: CARS2 is on the minus strand). VCF-style: chr13-110651067-G-A. GRCh37 (hg19) VCF-style: chr13-111303414-G-A.
Other names: c.235C>T, p.Arg79Trp (NM_001352252.2); short protein forms R79W, R341W.
Identifiers: ClinVar variation 970955 (VCV000970955.11), dbSNP rs138951398, ClinGen allele CA7051975.